The following is an entry in ClinVar:

NM_001378452.1(ITPR1):c.319A>G (p.Asn107Asp)

Gene: ITPR1 (inositol 1,4,5-trisphosphate receptor type 1; plus strand). Cytogenetic location: 3p26.1.
Variant type: single nucleotide variant.
Coding change: c.319A>G on transcript NM_001378452.1 (MANE Select); coding-DNA position 319, A replaced by G.
Protein change: p.Asn107Asp; replaces asparagine 107 with aspartic acid.
Molecular consequence: missense variant.
Genome position (GRCh38, 1-based): chr3:4,639,423, A>G. VCF-style: chr3-4639423-A-G. GRCh37 (hg19) VCF-style: chr3-4681107-A-G.
Other names: c.319A>G, p.Asn107Asp (NM_001099952.4, NM_001168272.2, NM_002222.7); short protein forms N107D.
Identifiers: ClinVar variation 1028569 (VCV001028569.1), dbSNP rs2093283649, ClinGen allele CA351633596.

ClinVar aggregate classification (germline): Uncertain significance (1 of 4 stars; one submission).

Conditions:
Spinocerebellar ataxia type 29 (SCA29). Also called: CEREBELLAR ATAXIA, CONGENITAL NONPROGRESSIVE, AUTOSOMAL DOMINANT; Spinocerebellar ataxia 29, congenital nonprogressive. Identifiers: Orphanet 208513, MedGen C1861732, MONDO:0007298, OMIM 117360.

Submission:

Baylor Genetics
Classification: Uncertain significance for Spinocerebellar ataxia type 29. Last evaluated: 2019-07-25. Review status: criteria provided, single submitter. Criteria: ACMG Guidelines, 2015. Collection method: clinical testing. Allele origin: unknown. Affected: yes.
Comment: This variant was determined to be of uncertain significance according to ACMG Guidelines, 2015 [PMID:25741868].